The following is an entry in ClinVar:

ClinVar aggregate classification (germline): Uncertain significance (1 of 4 stars; one submission).

Conditions:
Primary immunodeficiency with post-measles-mumps-rubella vaccine viral infection. Also called: Immunodeficiency 44. Identifiers: Orphanet 431166, MedGen C4225260, MONDO:0014715, OMIM 616636.

Allele frequency attached by ClinVar (database versions not stated): gnomAD exomes below 0.00001.
gnomAD v4.1: 1 of 1,614,202 alleles (0.000062%); highest among the groups gnomAD compares: Middle Eastern, 0.017%; no homozygotes.

Submission:

Labcorp Genetics (formerly Invitae), Labcorp
Classification: Uncertain significance for Primary immunodeficiency with post-measles-mumps-rubella vaccine viral infection. Last evaluated: 2023-11-28. Review status: criteria provided, single submitter. Criteria: Invitae Variant Classification Sherloc (09022015). Collection method: clinical testing. Allele origin: germline.
Comment: This sequence change replaces tyrosine, which is neutral and polar, with cysteine, which is neutral and slightly polar, at codon 677 of the STAT2 protein (p.Tyr677Cys). This variant is not present in population databases (gnomAD no frequency). This variant has not been reported in the literature in individuals affected with STAT2-related conditions. ClinVar contains an entry for this variant (Variation ID: 657004). Advanced modeling of protein sequence and biophysical properties (such as structural, functional, and spatial information, amino acid conservation, physicochemical variation, residue mobility, and thermodynamic stability) performed at Invitae indicates that this missense variant is expected to disrupt STAT2 protein function with a positive predictive value of 80%. In summary, the available evidence is currently insufficient to determine the role of this variant in disease. Therefore, it has been classified as a Variant of Uncertain Significance.

NM_005419.4(STAT2):c.2030A>G (p.Tyr677Cys)

Gene: STAT2 (signal transducer and activator of transcription 2; minus strand). Cytogenetic location: 12q13.3.
Variant type: single nucleotide variant.
Coding change: c.2030A>G on transcript NM_005419.4 (MANE Select); coding-DNA position 2030, A replaced by G.
Protein change: p.Tyr677Cys; replaces tyrosine 677 with cysteine.
Molecular consequence: missense variant.
Genome position (GRCh38, 1-based): chr12:56,346,456, T>C on the plus strand (A>G on the coding strand, the complement: STAT2 is on the minus strand). VCF-style: chr12-56346456-T-C. GRCh37 (hg19) VCF-style: chr12-56740240-T-C.
Other names: c.2030A>G, p.Tyr677Cys (LRG_1329t1); c.2018A>G, p.Tyr673Cys (NM_198332.2); short protein forms Y673C, Y677C.
Identifiers: ClinVar variation 657004 (VCV000657004.7), dbSNP rs1592467176, ClinGen allele CA385259524.